The following is an entry in ClinVar:

NM_000432.4(MYL2):c.97T>C (p.Phe33Leu)

Gene: MYL2 (myosin light chain 2; minus strand). Cytogenetic location: 12q24.11.
Variant type: single nucleotide variant.
Coding change: c.97T>C on transcript NM_000432.4 (MANE Select); coding-DNA position 97, T replaced by C.
Protein change: p.Phe33Leu; replaces phenylalanine 33 with leucine.
Molecular consequence: missense variant.
Genome position (GRCh38, 1-based): chr12:110,915,787, A>G on the plus strand (T>C on the coding strand, the complement: MYL2 is on the minus strand). VCF-style: chr12-110915787-A-G. GRCh37 (hg19) VCF-style: chr12-111353591-A-G.
Other names: p.F33L:TTC>CTC; short protein forms F33L.
Identifiers: ClinVar variation 181427 (VCV000181427.22), dbSNP rs730880945, ClinGen allele CA010549.

ClinVar aggregate classification (germline): Uncertain significance. Review status: criteria provided, multiple submitters, no conflicts (2 of 4 stars). 7 submissions from 7 submitters: Uncertain significance (7). Last evaluated 2026-01-19.

Conditions:
MYL2-related disorder. Also called: MYL2-related condition; MYL2-related disease; MYL2-related disorders.
Hypertrophic cardiomyopathy 10. Also called: CARDIOMYOPATHY, HYPERTROPHIC, MID-LEFT VENTRICULAR CHAMBER TYPE, 2; MYL2-Related Familial Hypertrophic Cardiomyopathy. Identifiers: MedGen C1834460, MONDO:0012112, OMIM 608758.
Myopathy, myofibrillar, 12, infantile-onset, with cardiomyopathy. Identifiers: MedGen C5561937, MONDO:0859168, OMIM 619424.
Cardiovascular phenotype. Identifiers: MedGen CN230736.
Cardiomyopathy (CMYO). Also called: Cardiomyopathies. Identifiers: Orphanet 167848, MedGen C0878544, MONDO:0004994, HP:0001638. Inheritance: Various modes of inheritance.
Hypertrophic cardiomyopathy. Also called: HYPERTROPHIC MYOCARDIOPATHY. Identifiers: Orphanet 217569, MedGen C0007194, MeSH D002312, MONDO:0005045, HP:0001639.

Allele frequency attached by ClinVar (database versions not stated): gnomAD exomes below 0.00001; ExAC 0.00001; gnomAD 0.00003 and 0.00004; TOPMed 0.00003.
gnomAD v4.1: 10 of 1,614,056 alleles (0.00062%); highest among the groups gnomAD compares: African/African-American, 0.0013%; no homozygotes.

Submissions (7):

Labcorp Genetics (formerly Invitae), Labcorp
Classification: Uncertain significance for Hypertrophic cardiomyopathy 10. Last evaluated: 2026-01-19. Review status: criteria provided, single submitter. Criteria: Invitae Variant Classification Sherloc (09022015). Collection method: clinical testing. Allele origin: germline.
Comment: This sequence change replaces phenylalanine, which is neutral and non-polar, with leucine, which is neutral and non-polar, at codon 33 of the MYL2 protein (p.Phe33Leu). This variant is present in population databases (rs730880945, gnomAD 0.002%). This variant has not been reported in the literature in individuals affected with MYL2-related conditions. ClinVar contains an entry for this variant (Variation ID: 181427). An algorithm developed to predict the effect of missense changes on protein structure and function (PolyPhen-2) suggests that this variant is likely to be disruptive. In summary, the available evidence is currently insufficient to determine the role of this variant in disease. Therefore, it has been classified as a Variant of Uncertain Significance.

PreventionGenetics, part of Exact Sciences
Classification: Uncertain significance for MYL2-related condition. Last evaluated: 2025-12-18. Review status: criteria provided, single submitter. Criteria: ACMG Guidelines, 2015. Collection method: clinical testing. Allele origin: germline.
Comment: The MYL2 c.97T>C variant is predicted to result in the amino acid substitution p.Phe33Leu. To our knowledge, this variant has not been reported in the literature. This variant is reported in 0.0023% of alleles in individuals of European (Non-Finnish) descent in gnomAD. At this time, the clinical significance of this variant is uncertain due to the absence of conclusive functional and genetic evidence.

All of Us Research Program, National Institutes of Health
Classification: Uncertain significance for Hypertrophic cardiomyopathy. Last evaluated: 2024-08-13. Review status: criteria provided, single submitter. Criteria: ACMG Guidelines, 2015. Collection method: clinical testing. Allele origin: germline. Inheritance: Autosomal dominant inheritance. Observed: 8 variant alleles, 8 heterozygotes.
Comment: This missense variant replaces phenylalanine with leucine at codon 33 of the MYL2 protein. Computational prediction suggests that this variant may have deleterious impact on protein structure and function (internally defined REVEL score threshold >= 0.7, PMID: 27666373). To our knowledge, functional studies have not been reported for this variant. This variant has not been reported in individuals affected with cardiovascular disorders in the literature. This variant has been identified in 3/282702 chromosomes in the general population by the Genome Aggregation Database (gnomAD). The available evidence is insufficient to determine the role of this variant in disease conclusively. Therefore, this variant is classified as a Variant of Uncertain Significance.

This study involves interpretation of variants in research participants for the purpose of population health screening. Participant phenotype was not available at the time of variant classification. Additional details can be found in publication PMID: 35346344, PMCID: PMC8962531

GeneDx
Classification: Uncertain significance. Last evaluated: 2024-06-17. Review status: criteria provided, single submitter. Criteria: GeneDx Variant Classification Process June 2021. Collection method: clinical testing. Allele origin: germline. Affected: yes.
Comment: Has not been previously published as pathogenic or benign to our knowledge; Not observed at significant frequency in large population cohorts (gnomAD); In silico analysis supports that this missense variant has a deleterious effect on protein structure/function

Color Diagnostics, LLC DBA Color Health
Classification: Uncertain significance for Cardiomyopathy. Last evaluated: 2024-03-06. Review status: criteria provided, single submitter. Criteria: ACMG Guidelines, 2015. Collection method: clinical testing. Allele origin: germline.
Comment: This missense variant replaces phenylalanine with leucine at codon 33 of the MYL2 protein. Computational prediction suggests that this variant may have deleterious impact on protein structure and function (internally defined REVEL score threshold >= 0.7, PMID: 27666373). To our knowledge, functional studies have not been reported for this variant. This variant has not been reported in individuals affected with cardiovascular disorders in the literature. This variant has been identified in 3/282702 chromosomes in the general population by the Genome Aggregation Database (gnomAD). The available evidence is insufficient to determine the role of this variant in disease conclusively. Therefore, this variant is classified as a Variant of Uncertain Significance.

Ambry Genetics
Classification: Uncertain significance for Cardiovascular phenotype. Last evaluated: 2023-07-18. Review status: criteria provided, single submitter. Criteria: Ambry Variant Classification Scheme 2023. Collection method: clinical testing. Allele origin: germline.
Comment: The p.F33L variant (also known as c.97T>C), located in coding exon 3 of the MYL2 gene, results from a T to C substitution at nucleotide position 97. The phenylalanine at codon 33 is replaced by leucine, an amino acid with highly similar properties. This amino acid position is conserved. In addition, this alteration is predicted to be deleterious by in silico analysis. Since supporting evidence is limited at this time, the clinical significance of this alteration remains unclear.

Fulgent Genetics
Classification: Uncertain significance for Hypertrophic cardiomyopathy 10; Myopathy, myofibrillar, 12, infantile-onset, with cardiomyopathy. Last evaluated: 2021-11-22. Review status: criteria provided, single submitter. Criteria: ACMG Guidelines, 2015. Collection method: clinical testing. Allele origin: unknown.